The following is an entry in ClinVar:

ClinVar aggregate classification (germline): Pathogenic (1 of 4 stars; one submission).

Conditions:
Congenital sideroblastic anemia-B-cell immunodeficiency-periodic fever-developmental delay syndrome. Also called: Sideroblastic anemia with B-cell immunodeficiency, periodic fevers, and developmental delay. Identifiers: Orphanet 369861, MedGen C4015172, MONDO:0014487, OMIM 616084.

Submission:

Labcorp Genetics (formerly Invitae), Labcorp
Classification: Pathogenic for Congenital sideroblastic anemia-B-cell immunodeficiency-periodic fever-developmental delay syndrome. Last evaluated: 2024-08-17. Review status: criteria provided, single submitter. Criteria: Invitae Variant Classification Sherloc (09022015). Collection method: clinical testing. Allele origin: germline.
Comment: This sequence change creates a premature translational stop signal (p.Gln414Thrfs*13) in the TRNT1 gene. While this is not anticipated to result in nonsense mediated decay, it is expected to disrupt the last 21 amino acid(s) of the TRNT1 protein. This variant is not present in population databases (gnomAD no frequency). This variant has not been reported in the literature in individuals affected with TRNT1-related conditions. This variant disrupts a region of the TRNT1 protein in which other variant(s) (p.Ser418Lysfs*9) have been determined to be pathogenic (PMID: 25193871, 26494905, 29358286; Invitae). This suggests that this is a clinically significant region of the protein, and that variants that disrupt it are likely to be disease-causing. For these reasons, this variant has been classified as Pathogenic.

Literature cited by the submitters: PubMed 25193871; PubMed 26494905; PubMed 29358286.

NM_182916.3(TRNT1):c.1239dup (p.Gln414fs)

Gene: TRNT1 (tRNA nucleotidyl transferase 1; plus strand). Cytogenetic location: 3p26.2.
Variant type: Duplication.
Coding change: c.1239dup on transcript NM_182916.3 (MANE Select); coding-DNA position 1239, one base duplicated (A; older notation c.1239dupA).
Protein change: p.Gln414fs; shifts the reading frame from glutamine 414.
Molecular consequence: frameshift variant. On other transcripts: non-coding transcript variant (8).
Genome position (GRCh38, 1-based): chr3:3,148,088, A duplicated; the last of 2 consecutive A bases (chr3:3,148,087-3,148,088); duplicating either gives the same sequence. VCF-style (leftmost placement, unchanged base first): chr3-3148086-G-GA. GRCh37 (hg19) VCF-style: chr3-3189770-G-GA.
Other names: c.1179dup, p.Gln394fs (NM_001302946.2); c.1239dup, p.Gln414fs (NM_001367321.1, NM_001367322.1, NM_001367323.1); short protein forms Q394fs, Q414fs.
Identifiers: ClinVar variation 3717208 (VCV003717208.2).